The following is an entry in ClinVar:

NM_133433.4(NIPBL):c.6763+1_6763+2del

Gene: NIPBL (NIPBL cohesin loading factor; plus strand). Cytogenetic location: 5p13.2.
Variant type: Deletion.
Coding change: c.6763+1_6763+2del on transcript NM_133433.4 (MANE Select); the canonical splice donor site of the intron after coding-DNA position 6763, 2 bases deleted (GT; older notation c.6763+1_6763+2delGT).
Molecular consequence: splice donor variant.
Genome position (GRCh38, 1-based): chr5:37,048,676-37,048,677, GT deleted; deleting any 2 consecutive bases within chr5:37,048,675-37,048,677 gives the same sequence; the c. name uses the placement nearest the transcript's 3' end. VCF-style (leftmost placement, unchanged base first): chr5-37048674-CTG-C. GRCh37 (hg19) VCF-style: chr5-37048776-CTG-C.
Other names: c.6763+1_6763+2del (NM_015384.5).
Identifiers: ClinVar variation 3235949 (VCV003235949.1), dbSNP rs2478618302, ClinGen allele CA2825001417.

ClinVar aggregate classification (germline): Likely pathogenic (1 of 4 stars; one submission).

Conditions:
Cornelia de Lange syndrome 1 (CDLS1). Also called: Brachmann de Lange syndrome; TYPUS DEGENERATIVUS AMSTELODAMENSIS; NIPBL-Related Cornelia de Lange Syndrome. Identifiers: Orphanet 199, MedGen C4551851, MONDO:0007387, OMIM 122470.

Submission:

New York Genome Center
Classification: Likely pathogenic for Cornelia de Lange syndrome 1. Last evaluated: 2023-01-05. Review status: criteria provided, single submitter. Criteria: NYGC Assertion Criteria 2020. Collection method: clinical testing. Allele origin: de novo. Affected: yes. Observed: 1 heterozygote. Study: PrenatalSEQ.
Comment: The de novo c.6763+1_6763+2del variant identified in the NIPBL gene is a deletion of 2 nucleotides at the canonical splice donor position of exon 39 (intron 39/46) and is predicted to lead to aberrant splicing by in silico algorithms (SpliceAI delta score:1, donor loss; VarSEAK class 5). Aberrant splicing of this exon is predicted to lead to an out-of-frame consequence. This variant is absent from population databases (gnomADv3.1.2, BRAVO-TOPMed, All Of Us) suggesting it is not a common benign variant in the populations represented in those databases. The c.6763+1_6763+2del variant is absent from ClinVar, however many nonsense, frameshift, and canonical splice variants downstream have been reported there as Pathogenic or Likely Pathogenic (VarIDs:543048, 211658, 1697857, others). While this variant has not been reported in the literature, other frameshift and canonical splice variants downstream of the one identified here have been reported in individuals with Cornelis de Lange syndrome (For Review [PMID:25125236]). Given its predicted deleterious nature, absence in population databases, and presence de novo here, the c.6763+1_6763+2del variant identified in the NIPBL gene is reported as Likely Pathogenic.